The following is an entry in ClinVar:

NM_004383.3(CSK):c.264A>C (p.Thr88=)

Genes: CSK (C-terminal Src kinase; plus strand), LOC126862181 (BRD4-independent group 4 enhancer GRCh37_chr15:75090696-75091895; plus strand). Cytogenetic location: 15q24.1.
Variant type: single nucleotide variant.
Coding change: c.264A>C on transcript NM_004383.3 (MANE Select); coding-DNA position 264, A replaced by C.
Protein change: p.Thr88=; no amino-acid change (threonine 88 retained).
Molecular consequence: synonymous variant. On other transcripts: non-coding transcript variant (1).
Genome position (GRCh38, 1-based): chr15:74,799,293, A>C. VCF-style: chr15-74799293-A-C. GRCh37 (hg19) VCF-style: chr15-75091634-A-C.
Other names: c.264A>C, p.Thr88= (NM_001127190.2, NM_001354988.2, NM_001387089.1 and 7 more transcripts); c.165A>C, p.Thr55= (NM_001387097.1); c.135A>C, p.Thr45= (NM_001387098.1).
Identifiers: ClinVar variation 2645546 (VCV002645546.24), dbSNP rs367837559, ClinGen allele CA7660300.

ClinVar aggregate classification (germline): Likely benign (1 of 4 stars; one submission).

Allele frequency attached by ClinVar (database versions not stated): ExAC 0.00006; ESP Exome Variant Server 0.00008; gnomAD 0.00011; TOPMed 0.00012; gnomAD exomes 0.00013.
gnomAD v4.1: 197 of 1,610,726 alleles (0.012%); highest among the groups gnomAD compares: Admixed American, 0.025%; no homozygotes.

Submission:

CeGaT Center for Human Genetics Tuebingen
Classification: Likely benign. Last evaluated: 2022-10-01. Review status: criteria provided, single submitter. Criteria: CeGaT Center For Human Genetics Tuebingen Variant Classification Criteria Version 2. Collection method: clinical testing. Allele origin: germline. Affected: yes. Observed: 1 variant allele.
Comment: CSK: BP4, BP7